The following is an entry in ClinVar:

ClinVar aggregate classification (germline): Uncertain significance (1 of 4 stars; one submission).

Allele frequency attached by ClinVar (database versions not stated): gnomAD exomes below 0.00001 and 0.00001; ExAC 0.00001.
gnomAD v4.1: 12 of 1,614,038 alleles (0.00074%); highest among the groups gnomAD compares: South Asian, 0.0011%; no homozygotes.

Submission:

GeneDx
Classification: Uncertain significance. Last evaluated: 2020-08-11. Review status: criteria provided, single submitter. Criteria: GeneDx Variant Classification Process June 2021. Collection method: clinical testing. Allele origin: germline. Affected: yes.
Comment: In silico analysis, which includes protein predictors and evolutionary conservation, supports a deleterious effect; Has not been previously published as pathogenic or benign to our knowledge; Not observed at a significant frequency in large population cohorts (Lek et al., 2016)

NM_032444.4(SLX4):c.2113G>A (p.Ala705Thr)

Gene: SLX4 (SLX4 structure-specific endonuclease subunit; minus strand). Cytogenetic location: 16p13.3.
Variant type: single nucleotide variant.
Coding change: c.2113G>A on transcript NM_032444.4 (MANE Select); coding-DNA position 2113, G replaced by A.
Protein change: p.Ala705Thr; replaces alanine 705 with threonine.
Molecular consequence: missense variant.
Genome position (GRCh38, 1-based): chr16:3,594,500, C>T on the plus strand (G>A on the coding strand, the complement: SLX4 is on the minus strand). VCF-style: chr16-3594500-C-T. GRCh37 (hg19) VCF-style: chr16-3644501-C-T.
Other names: short protein forms A705T.
Identifiers: ClinVar variation 1318868 (VCV001318868.2), dbSNP rs749913190, ClinGen allele CA7866288.
Genomic context (GRCh38, chr16:3,594,500, plus strand): 5'-CCCACGTACTTACATACTGGATGAGGAGCGGGCATCGGGCATAAAGCACGAACTTGTGGG[C>T]GTAAAGCACCTCCCCGCTGTCCGTCTGAAACTGGACATCACTCAGGTGTGGGTTATTGAC-3'
Protein context (NP_115820.2, residues 695-715): FQTDSGEVLY[Ala705Thr]HKFVLYARCP